The following is an entry in ClinVar:

ClinVar aggregate classification (germline): Uncertain significance (1 of 4 stars; one submission).

Conditions:
Ataxia-telangiectasia syndrome (AT). Also called: Ataxia telangiectasia (A-T); LOUIS-BAR SYNDROME; Cerebello-oculocutaneous telangiectasia; Immunodeficiency with ataxia telangiectasia; AT, COMPLEMENTATION GROUP C; Ataxia-telangiectasia, complementation group D. Identifiers: Orphanet 100, MedGen C0004135, MONDO:0008840, OMIM 208900.

Submission:

Labcorp Genetics (formerly Invitae), Labcorp
Classification: Uncertain significance for Ataxia-telangiectasia syndrome. Last evaluated: 2025-10-23. Review status: criteria provided, single submitter. Criteria: Invitae Variant Classification Sherloc (09022015). Collection method: clinical testing. Allele origin: germline.
Comment: This sequence change replaces leucine, which is neutral and non-polar, with valine, which is neutral and non-polar, at codon 1291 of the ATM protein (p.Leu1291Val). This variant is not present in population databases (gnomAD no frequency). This variant has not been reported in the literature in individuals affected with ATM-related conditions. ClinVar contains an entry for this variant (Variation ID: 1426079). Invitae Evidence Modeling of protein sequence and biophysical properties (such as structural, functional, and spatial information, amino acid conservation, physicochemical variation, residue mobility, and thermodynamic stability) indicates that this missense variant is not expected to disrupt ATM protein function with a negative predictive value of 95%. In summary, the available evidence is currently insufficient to determine the role of this variant in disease. Therefore, it has been classified as a Variant of Uncertain Significance.

NM_000051.4(ATM):c.3871C>G (p.Leu1291Val)

Gene: ATM (ATM serine/threonine kinase; plus strand). Cytogenetic location: 11q22.3.
Variant type: single nucleotide variant.
Coding change: c.3871C>G on transcript NM_000051.4 (MANE Select); coding-DNA position 3871, C replaced by G.
Protein change: p.Leu1291Val; replaces leucine 1291 with valine.
Molecular consequence: missense variant.
Genome position (GRCh38, 1-based): chr11:108,284,351, C>G. VCF-style: chr11-108284351-C-G. GRCh37 (hg19) VCF-style: chr11-108155078-C-G.
Other names: c.3871C>G, p.Leu1291Val (NM_001351834.2); short protein forms L1291V.
Identifiers: ClinVar variation 1426079 (VCV001426079.8), dbSNP rs2135707210, ClinGen allele CA382525369.